The following is an entry in ClinVar:

ClinVar aggregate classification (germline): Uncertain significance (1 of 4 stars; one submission).

Conditions:
Epidermolysis bullosa simplex 5B, with muscular dystrophy (EBS5B). Also called: Epidermolysis bullosa simplex with muscular dystrophy; EPIDERMOLYSIS BULLOSA SIMPLEX AND LIMB-GIRDLE MUSCULAR DYSTROPHY. Identifiers: Orphanet 257, MedGen C2931072, MONDO:0009181, OMIM 226670.
Autosomal recessive limb-girdle muscular dystrophy type 2Q (LGMDR17). Also called: MUSCULAR DYSTROPHY, LIMB-GIRDLE, AUTOSOMAL RECESSIVE 17. Identifiers: Orphanet 254361, MedGen C3150989, MONDO:0013390, OMIM 613723.
Epidermolysis bullosa simplex with nail dystrophy (EBS5D). Identifiers: MedGen C4225309, MONDO:0014661, OMIM 616487.
Epidermolysis bullosa simplex 5C, with pyloric atresia (EBS5C). Also called: Epidermolysis bullosa simplex with pyloric atresia; PLEC-Related Epidermolysis Bullosa with Pyloric Atresia; PLEC1-Related Epidermolysis Bullosa with Pyloric Atresia. Identifiers: Orphanet 158684, MedGen C2677349, MONDO:0012807, OMIM 612138.
Epidermolysis bullosa simplex, Ogna type (EBS5A). Also called: EPIDERMOLYSIS BULLOSA SIMPLEX 5A, OGNA TYPE; Pidermolysis bullosa simplex 5A, Ogna type. Identifiers: Orphanet 79401, MedGen C0432317, MONDO:0007555, OMIM 131950.

Allele frequency attached by ClinVar (database versions not stated): TOPMed below 0.00001; gnomAD exomes 0.00001.
gnomAD v4.1: 19 of 1,612,158 alleles (0.0012%); highest among the groups gnomAD compares: Non-Finnish European, 0.0016%; no homozygotes.

Submission:

Labcorp Genetics (formerly Invitae), Labcorp
Classification: Uncertain significance for Autosomal recessive limb-girdle muscular dystrophy type 2Q; Epidermolysis bullosa simplex, Ogna type; Epidermolysis bullosa simplex with nail dystrophy; Epidermolysis bullosa simplex 5C, with pyloric atresia; Epidermolysis bullosa simplex 5B, with muscular dystrophy. Last evaluated: 2022-07-06. Review status: criteria provided, single submitter. Criteria: Invitae Variant Classification Sherloc (09022015). Collection method: clinical testing. Allele origin: germline.
Comment: ClinVar contains an entry for this variant (Variation ID: 1501236). This variant has not been reported in the literature in individuals affected with PLEC-related conditions. This variant is not present in population databases (gnomAD no frequency). This sequence change replaces isoleucine, which is neutral and non-polar, with methionine, which is neutral and non-polar, at codon 3601 of the PLEC protein (p.Ile3601Met). Algorithms developed to predict the effect of missense changes on protein structure and function are either unavailable or do not agree on the potential impact of this missense change (SIFT: "Deleterious"; PolyPhen-2: "Probably Damaging"; Align-GVGD: "Class C0"). In summary, the available evidence is currently insufficient to determine the role of this variant in disease. Therefore, it has been classified as a Variant of Uncertain Significance.

NM_201384.3(PLEC):c.10722T>G (p.Ile3574Met)

Gene: PLEC (plectin; minus strand). Cytogenetic location: 8q24.3.
Variant type: single nucleotide variant.
Coding change: c.10722T>G on transcript NM_201384.3 (MANE Select); coding-DNA position 10722, T replaced by G.
Protein change: p.Ile3574Met; replaces isoleucine 3574 with methionine.
Molecular consequence: missense variant.
Genome position (GRCh38, 1-based): chr8:143,919,099, A>C on the plus strand (T>G on the coding strand, the complement: PLEC is on the minus strand). VCF-style: chr8-143919099-A-C. GRCh37 (hg19) VCF-style: chr8-144993267-A-C.
Other names: c.10803T>G, p.Ile3601Met (NM_000445.5); c.10680T>G, p.Ile3560Met (NM_201378.4); c.10656T>G, p.Ile3552Met (NM_201379.3); c.11133T>G, p.Ile3711Met (NM_201380.4); c.10626T>G, p.Ile3542Met (NM_201381.3); c.10722T>G, p.Ile3574Met (NM_201382.4); c.10734T>G, p.Ile3578Met (NM_201383.3); short protein forms I3574M, I3601M, I3560M, I3578M, I3711M, I3542M, I3552M.
Identifiers: ClinVar variation 1501236 (VCV001501236.8), dbSNP rs1447595261, ClinGen allele CA372496977.